The following is an entry in ClinVar:

Single allele

Gene: F11 (coagulation factor XI; plus strand). Cytogenetic location: 4q35.2.
Variant type: Deletion.
Identifiers: ClinVar variation 1333004 (VCV001333004.2).

ClinVar aggregate classification (germline): Pathogenic (1 of 4 stars; one submission).

Conditions:
Hereditary factor XI deficiency disease. Also called: PLASMA THROMBOPLASTIN ANTECEDENT DEFICIENCY; PTA DEFICIENCY; ROSENTHAL SYNDROME; Congenital factor XI deficiency. Identifiers: Orphanet 329, MedGen C0015523, MeSH D005173, MONDO:0012897, OMIM 612416.

Submission:

ISTH-SSC Genomics in Thrombosis and Hemostasis, KU Leuven, Center for Molecular and Vascular Biology
Classification: Pathogenic for Hereditary factor XI deficiency disease. Review status: criteria provided, single submitter. Criteria: ACMG Guidelines, 2015. Collection method: research. Allele origin: unknown. Inheritance: Autosomal recessive inheritance. Affected: yes.
Comment: Gold Variant submitter: Dr Karyn Megy, NIHR Bioresource - Cambridge University, UK

Literature cited by the submitters: PubMed 34355501.